The following is an entry in ClinVar:

ClinVar aggregate classification (germline): Uncertain significance. Review status: criteria provided, multiple submitters, no conflicts (2 of 4 stars). 2 submissions from 2 submitters: Uncertain significance (2). Last evaluated 2025-05-28.

Conditions:
Hereditary breast ovarian cancer syndrome. Also called: Hereditary breast and ovarian cancer syndrome (HBOC); Hereditary breast and ovarian cancer; Hereditary breast and ovarian cancer syndrome; Breast and ovarian cancer; Hereditary breast and/or ovarian cancer syndrome; BRCA1- and BRCA2-Associated Hereditary Breast and Ovarian Cancer. Identifiers: Orphanet 145, MedGen C0677776, MeSH D061325, MONDO:0003582. Disease mechanism: loss of function.
BRCA2-related disorder. Also called: BRCA2-related condition; BRCA2-related disorders. Identifiers: MedGen CN239275.

Allele frequency attached by ClinVar (database versions not stated): gnomAD exomes below 0.00001.
gnomAD v4.1: 1 of 1,612,976 alleles (0.000062%); highest among the groups gnomAD compares: Admixed American, 0.0017%; no homozygotes.

Submissions (2):

Labcorp Genetics (formerly Invitae), Labcorp
Classification: Uncertain significance for Hereditary breast ovarian cancer syndrome. Last evaluated: 2025-05-28. Review status: criteria provided, single submitter. Criteria: Invitae Variant Classification Sherloc (09022015). Collection method: clinical testing. Allele origin: germline.
Comment: This sequence change falls in intron 5 of the BRCA2 gene. It does not directly change the encoded amino acid sequence of the BRCA2 protein. RNA analysis indicates that this variant induces altered splicing and likely results in the gain of 2 amino acid residue(s), but is expected to preserve the integrity of the reading-frame. This variant is present in population databases (no rsID available, gnomAD 0.003%). This variant has not been reported in the literature in individuals affected with BRCA2-related conditions. ClinVar contains an entry for this variant (Variation ID: 941954). Studies have shown that this variant results in the activation of a cryptic splice site in intron 5 (internal data). In summary, the available evidence is currently insufficient to determine the role of this variant in disease. Therefore, it has been classified as a Variant of Uncertain Significance.

PreventionGenetics, part of Exact Sciences
Classification: Uncertain significance for BRCA2-related condition. Last evaluated: 2025-02-25. Review status: criteria provided, single submitter. Criteria: ACMG Guidelines, 2015. Collection method: clinical testing. Allele origin: germline.
Comment: The BRCA2 c.476-7C>G variant is predicted to interfere with splicing. This variant is predicted to alter splicing based on available splicing prediction software (SpliceAI, Jaganathan et al. 2019. PubMed ID: 30661751). However, the use of computer prediction software is not equivalent to functional evidence. To our knowledge, this variant has not been reported in the literature. This variant is reported in 0.0029% of alleles in individuals of Latino descent in gnomAD. This variant is interpreted as variant of uncertain significance in ClinVar. At this time, the clinical significance of this variant is uncertain due to the absence of conclusive functional and genetic evidence.

NM_000059.4(BRCA2):c.476-7C>G

Gene: BRCA2 (BRCA2 DNA repair associated; plus strand). Cytogenetic location: 13q13.1.
Variant type: single nucleotide variant.
Coding change: c.476-7C>G on transcript NM_000059.4 (MANE Select); 7 bases into the intron before coding-DNA position 476, C replaced by G.
Molecular consequence: intron variant.
Genome position (GRCh38, 1-based): chr13:32,326,235, C>G. VCF-style: chr13-32326235-C-G. GRCh37 (hg19) VCF-style: chr13-32900372-C-G.
Identifiers: ClinVar variation 941954 (VCV000941954.9), dbSNP rs1400991957, ClinGen allele CA609453805.